The following is an entry in ClinVar:

ClinVar aggregate classification (germline): Uncertain significance (1 of 4 stars; one submission).

Allele frequency attached by ClinVar (database versions not stated): gnomAD 0.00002; gnomAD exomes 0.00002; ExAC 0.00003; TOPMed 0.00003.
gnomAD v4.1: 35 of 1,613,676 alleles (0.0022%); highest among the groups gnomAD compares: Non-Finnish European, 0.0028%; no homozygotes.

Submission:

Labcorp Genetics (formerly Invitae), Labcorp
Classification: Uncertain significance. Last evaluated: 2022-10-14. Review status: criteria provided, single submitter. Criteria: Invitae Variant Classification Sherloc (09022015). Collection method: clinical testing. Allele origin: germline.
Comment: This variant has not been reported in the literature in individuals affected with BICC1-related conditions. In summary, the available evidence is currently insufficient to determine the role of this variant in disease. Therefore, it has been classified as a Variant of Uncertain Significance. Algorithms developed to predict the effect of missense changes on protein structure and function output the following: SIFT: "Tolerated"; PolyPhen-2: "Benign"; Align-GVGD: "Class C0". The glutamic acid amino acid residue is found in multiple mammalian species, which suggests that this missense change does not adversely affect protein function. This variant is present in population databases (rs770806205, gnomAD 0.007%). This sequence change replaces aspartic acid, which is acidic and polar, with glutamic acid, which is acidic and polar, at codon 553 of the BICC1 protein (p.Asp553Glu).

NM_001080512.3(BICC1):c.1659T>G (p.Asp553Glu)

Gene: BICC1 (BicC family RNA binding protein 1; plus strand). Cytogenetic location: 10q21.1.
Variant type: single nucleotide variant.
Coding change: c.1659T>G on transcript NM_001080512.3 (MANE Select); coding-DNA position 1659, T replaced by G.
Protein change: p.Asp553Glu; replaces aspartic acid 553 with glutamic acid.
Molecular consequence: missense variant.
Genome position (GRCh38, 1-based): chr10:58,799,186, T>G. VCF-style: chr10-58799186-T-G. GRCh37 (hg19) VCF-style: chr10-60558946-T-G.
Other names: short protein forms D553E.
Identifiers: ClinVar variation 1980230 (VCV001980230.4), dbSNP rs770806205, ClinGen allele CA5508552.